The following is an entry in ClinVar:

ClinVar aggregate classification (germline): Uncertain significance (1 of 4 stars; one submission).

Conditions:
Cardiomyopathy (CMYO). Also called: Cardiomyopathies. Identifiers: Orphanet 167848, MedGen C0878544, MONDO:0004994, HP:0001638. Inheritance: Various modes of inheritance.

gnomAD v4.1: 2 of 1,613,354 alleles (0.00012%); highest among the groups gnomAD compares: Non-Finnish European, 0.00017%; no homozygotes.

Submission:

Color Diagnostics, LLC DBA Color Health
Classification: Uncertain significance for Cardiomyopathy. Last evaluated: 2024-03-06. Review status: criteria provided, single submitter. Criteria: ACMG Guidelines, 2015. Collection method: clinical testing. Allele origin: germline.
Comment: This missense variant replaces serine with leucine at codon 256 of the PRKAG2 protein. Computational prediction is inconclusive regarding the impact of this variant on protein structure and function (internally defined REVEL score threshold 0.5 < inconclusive < 0.7, PMID: 27666373). To our knowledge, functional studies have not been reported for this variant. This variant has not been reported in individuals affected with cardiovascular disorders in the literature. This variant has not been identified in the general population by the Genome Aggregation Database (gnomAD). The available evidence is insufficient to determine the role of this variant in disease conclusively. Therefore, this variant is classified as a Variant of Uncertain Significance.

NM_016203.4(PRKAG2):c.767C>T (p.Ser256Leu)

Gene: PRKAG2 (protein kinase AMP-activated non-catalytic subunit gamma 2; minus strand). Cytogenetic location: 7q36.1.
Variant type: single nucleotide variant.
Coding change: c.767C>T on transcript NM_016203.4 (MANE Select); coding-DNA position 767, C replaced by T.
Protein change: p.Ser256Leu; replaces serine 256 with leucine.
Molecular consequence: missense variant.
Genome position (GRCh38, 1-based): chr7:151,595,442, G>A on the plus strand (C>T on the coding strand, the complement: PRKAG2 is on the minus strand). VCF-style: chr7-151595442-G-A. GRCh37 (hg19) VCF-style: chr7-151292528-G-A.
Other names: c.635C>T, p.Ser212Leu (NM_001040633.2); c.392C>T, p.Ser131Leu (NM_001304527.2); c.44C>T, p.Ser15Leu (NM_001304531.2, NM_024429.2); c.395C>T, p.Ser132Leu (NM_001363698.2); short protein forms S131L, S132L, S15L, S212L, S256L.
Identifiers: ClinVar variation 1171666 (VCV001171666.3), dbSNP rs2151134988, ClinGen allele CA370069561.